The following is an entry in ClinVar:

NM_173602.3(DIP2B):c.1631C>T (p.Ser544Leu)

Gene: DIP2B (DIP2 acetate--CoA ligase B (putative); plus strand). Cytogenetic location: 12q13.12.
Variant type: single nucleotide variant.
Coding change: c.1631C>T on transcript NM_173602.3 (MANE Select); coding-DNA position 1631, C replaced by T.
Protein change: p.Ser544Leu; replaces serine 544 with leucine.
Molecular consequence: missense variant.
Genome position (GRCh38, 1-based): chr12:50,691,128, C>T. VCF-style: chr12-50691128-C-T. GRCh37 (hg19) VCF-style: chr12-51084911-C-T.
Other names: short protein forms S544L.
Identifiers: ClinVar variation 4851369 (VCV004851369.1).
Genomic context (GRCh38, chr12:50,691,128, plus strand): 5'-GGAGTGTAATGGGAGTTACAGTATCCCGGCTTGCAATGTTGTCTCACTGCCAAGCTCTGT[C>T]GCAGGCCTGCAATTATTCTGAAGGTCAGACCTCATCCCATGACTGCCCTCATTGTTACCT-3'
Protein context (NP_775873.2, residues 534-554): LAMLSHCQAL[Ser544Leu]QACNYSEGET

ClinVar aggregate classification (germline): Likely benign (1 of 4 stars; one submission).

Conditions:
Intellectual developmental disorder, FRA12A type. Also called: Intellectual disability, FRA12A type. Identifiers: MedGen C1969893, MONDO:0007634, OMIM 136630.

gnomAD v4.1: 13 of 1,614,050 alleles (0.00081%); highest among the groups gnomAD compares: South Asian, 0.011%; no homozygotes.

Submission:

Centre for Medical Genetics,  Mumbai
Classification: Likely benign for Intellectual developmental disorder, FRA12A type. Last evaluated: 2026-04-14. Review status: criteria provided, single submitter. Criteria: ACMG Guidelines, 2015. Collection method: provider interpretation. Allele origin: germline. Inheritance: Autosomal dominant inheritance. Affected: no. Observed: 1 variant allele, 1 heterozygote.
Comment: The variant satisfies PM2 criteria - extremely low frequency in gnomAD population databases. The variant satisfies PP2 criteria - missense variant in a gene with low rate of benign missense mutations and for which missense mutation is a common mechanism of a disease. However, the variant satisfies BS2 criteria - present in heterozygous state in an individual that clinically does not have intellectual developmental disorder.

Literature cited by the submitters: PubMed 17236128.